The following is an entry in ClinVar:

NM_152703.5(SAMD9L):c.1934T>A (p.Leu645Gln)

Gene: SAMD9L (sterile alpha motif domain containing 9 like; minus strand). Cytogenetic location: 7q21.2.
Variant type: single nucleotide variant.
Coding change: c.1934T>A on transcript NM_152703.5 (MANE Select); coding-DNA position 1934, T replaced by A.
Protein change: p.Leu645Gln; replaces leucine 645 with glutamine.
Molecular consequence: missense variant.
Genome position (GRCh38, 1-based): chr7:93,134,038, A>T on the plus strand (T>A on the coding strand, the complement: SAMD9L is on the minus strand). VCF-style: chr7-93134038-A-T. GRCh37 (hg19) VCF-style: chr7-92763351-A-T.
Other names: c.1934T>A, p.Leu645Gln (NM_001303496.3, NM_001303497.3, NM_001303498.3 and 5 more transcripts); short protein forms L645Q.
Identifiers: ClinVar variation 1316334 (VCV001316334.6), dbSNP rs200412482, ClinGen allele CA4343656.

ClinVar aggregate classification (germline): Conflicting classifications of pathogenicity. Review status: criteria provided, conflicting classifications (1 of 4 stars). 4 submissions from 4 submitters: Uncertain significance (3); Likely benign (1). Last evaluated 2024-11-06.

Conditions:
Monosomy 7 myelodysplasia and leukemia syndrome 1. Also called: CHROMOSOME 7q DELETION; Familial Mosaic Monosomy 7 Syndrome; Monosomy 7 of bone marrow. Identifiers: MedGen C1854978, MONDO:0009646, OMIM 252270.
Ataxia-pancytopenia syndrome (ATXPC). Also called: SAMD9L Ataxia-Pancytopenia Syndrome; SAMD9L-Related Syndrome. Identifiers: Orphanet 2585, MedGen C1327919, MONDO:0008038, OMIM 159550.
Spinocerebellar ataxia 49 (SCA49). Identifiers: Orphanet 631106, MedGen C5676950, MONDO:0030805, OMIM 619806.

gnomAD v4.1: 13 of 1,613,738 alleles (0.00081%); highest among the groups gnomAD compares: South Asian, 0.012%; no homozygotes.

Submissions (4):

Labcorp Genetics (formerly Invitae), Labcorp
Classification: Uncertain significance. Last evaluated: 2024-11-06. Review status: criteria provided, single submitter. Criteria: Invitae Variant Classification Sherloc (09022015). Collection method: clinical testing. Allele origin: germline.
Comment: This sequence change replaces leucine, which is neutral and non-polar, with glutamine, which is neutral and polar, at codon 645 of the SAMD9L protein (p.Leu645Gln). This variant is present in population databases (rs200412482, gnomAD 0.01%). This missense change has been observed in individual(s) with primary immunodeficiency disorders (PMID: 33365035). ClinVar contains an entry for this variant (Variation ID: 1316334). Invitae Evidence Modeling of protein sequence and biophysical properties (such as structural, functional, and spatial information, amino acid conservation, physicochemical variation, residue mobility, and thermodynamic stability) indicates that this missense variant is not expected to disrupt SAMD9L protein function with a negative predictive value of 80%. In summary, the available evidence is currently insufficient to determine the role of this variant in disease. Therefore, it has been classified as a Variant of Uncertain Significance.

Blueprint Genetics
Classification: Likely benign. Last evaluated: 2024-07-03. Review status: criteria provided, single submitter. Criteria: ACMG Guidelines, 2015. Collection method: clinical testing. Allele origin: germline.

Department of Pathology and Laboratory Medicine, Sinai Health System
Classification: Uncertain significance for Ataxia-pancytopenia syndrome; Monosomy 7 myelodysplasia and leukemia syndrome 1; Spinocerebellar ataxia 49. Last evaluated: 2023-04-24. Review status: criteria provided, single submitter. Criteria: ACMG Guidelines, 2015. Collection method: research. Allele origin: germline.

GeneDx
Classification: Uncertain significance. Last evaluated: 2019-09-20. Review status: criteria provided, single submitter. Criteria: GeneDx Variant Classification Process June 2021. Collection method: clinical testing. Allele origin: germline. Affected: yes.
Comment: In silico analysis, which includes protein predictors and evolutionary conservation, supports a deleterious effect; Has not been previously published as pathogenic or benign to our knowledge; This variant is associated with the following publications: (PMID: 33365035)

Literature cited by the submitters: PubMed 33365035 (cited by Labcorp Genetics (formerly Invitae), Labcorp).